The following is an entry in ClinVar:

NM_006231.4(POLE):c.297C>G (p.Pro99=)

Gene: POLE (DNA polymerase epsilon, catalytic subunit; minus strand). Cytogenetic location: 12q24.33.
Variant type: single nucleotide variant.
Coding change: c.297C>G on transcript NM_006231.4 (MANE Select); coding-DNA position 297, C replaced by G.
Protein change: p.Pro99=; no amino-acid change (proline 99 retained).
Molecular consequence: synonymous variant.
Genome position (GRCh38, 1-based): chr12:132,680,211, G>C on the plus strand (C>G on the coding strand, the complement: POLE is on the minus strand). VCF-style: chr12-132680211-G-C. GRCh37 (hg19) VCF-style: chr12-133256797-G-C.
Identifiers: ClinVar variation 4141131 (VCV004141131.1).

ClinVar aggregate classification (germline): Uncertain significance (1 of 4 stars; one submission).

Conditions:
Hereditary cancer-predisposing syndrome. Also called: Hereditary neoplastic syndrome; Neoplastic Syndromes, Hereditary; Tumor predisposition; Hereditary Cancer Syndrome. Identifiers: Orphanet 140162, MedGen C0027672, MeSH D009386, MONDO:0015356.

gnomAD v4.1: 1 of 1,614,052 alleles (0.000062%); highest among the groups gnomAD compares: Non-Finnish European, 0.000085%; no homozygotes.

Submission:

Ambry Genetics
Classification: Uncertain significance for Hereditary cancer-predisposing syndrome. Last evaluated: 2025-06-26. Review status: criteria provided, single submitter. Criteria: Ambry Variant Classification Scheme 2023. Collection method: clinical testing. Allele origin: germline.
Comment: The c.297C>G variant (also known as p.P99P), located in coding exon 4 of the POLE gene, results from a C to G substitution at nucleotide position 297. This nucleotide substitution does not change the proline at codon 99. This nucleotide position is poorly conserved in available vertebrate species. In silico splice site analysis for this alteration is inconclusive. Based on the available evidence, the clinical significance of this variant remains unclear.